The following is an entry in ClinVar:

NM_018896.5(CACNA1G):c.13G>C (p.Glu5Gln)

Genes: CACNA1G-AS1 (CACNA1G antisense RNA 1; minus strand), CACNA1G (calcium voltage-gated channel subunit alpha1 G; plus strand). Cytogenetic location: 17q21.33.
Variant type: single nucleotide variant.
Coding change: c.13G>C on transcript NM_018896.5 (MANE Select); coding-DNA position 13, G replaced by C.
Protein change: p.Glu5Gln; replaces glutamic acid 5 with glutamine.
Molecular consequence: missense variant. On other transcripts: non-coding transcript variant (5).
Genome position (GRCh38, 1-based): chr17:50,561,472, G>C. VCF-style: chr17-50561472-G-C. GRCh37 (hg19) VCF-style: chr17-48638833-G-C.
Other names: c.13G>C, p.Glu5Gln (NM_001256360.2, NM_001256361.2, NM_198376.3 and 24 more transcripts); short protein forms E5Q.
Identifiers: ClinVar variation 2859370 (VCV002859370.3), dbSNP rs2035563322, ClinGen allele CA400221107.

ClinVar aggregate classification (germline): Uncertain significance (1 of 4 stars; one submission).

Submission:

Labcorp Genetics (formerly Invitae), Labcorp
Classification: Uncertain significance. Last evaluated: 2023-04-26. Review status: criteria provided, single submitter. Criteria: Invitae Variant Classification Sherloc (09022015). Collection method: clinical testing. Allele origin: germline.
Comment: This variant is not present in population databases (gnomAD no frequency). This sequence change replaces glutamic acid, which is acidic and polar, with glutamine, which is neutral and polar, at codon 5 of the CACNA1G protein (p.Glu5Gln). This variant has not been reported in the literature in individuals affected with CACNA1G-related conditions. Advanced modeling of protein sequence and biophysical properties (such as structural, functional, and spatial information, amino acid conservation, physicochemical variation, residue mobility, and thermodynamic stability) performed at Invitae indicates that this missense variant is not expected to disrupt CACNA1G protein function. In summary, the available evidence is currently insufficient to determine the role of this variant in disease. Therefore, it has been classified as a Variant of Uncertain Significance.